The following is an entry in ClinVar:

ClinVar aggregate classification (germline): Pathogenic (1 of 4 stars; one submission).

Submission:

Labcorp Genetics (formerly Invitae), Labcorp
Classification: Pathogenic. Last evaluated: 2023-05-15. Review status: criteria provided, single submitter. Criteria: Invitae Variant Classification Sherloc (09022015). Collection method: clinical testing. Allele origin: germline.
Comment: For these reasons, this variant has been classified as Pathogenic. This variant has not been reported in the literature in individuals affected with MOCS2B-related conditions. This sequence change creates a premature translational stop signal (p.Asn48*) in the MOCS2B gene. It is expected to result in an absent or disrupted protein product. Loss-of-function variants in MOCS2B are known to be pathogenic (PMID: 21031595). This variant is not present in population databases (gnomAD no frequency).

Literature cited by the submitters: PubMed 21031595.

NM_004531.5(MOCS2):c.140_141dup (p.Asn48Ter)

Gene: MOCS2 (molybdenum cofactor synthesis 2; minus strand). Cytogenetic location: 5q11.2.
Variant type: Microsatellite.
Coding change: c.140_141dup on transcript NM_004531.5 (MANE Select); coding-DNA positions 140 to 141, 2 bases duplicated (TA; older notation c.140_141dupTA).
Protein change: p.Asn48Ter; replaces asparagine 48 with a stop codon.
Molecular consequence: nonsense. On other transcripts: 3 prime UTR variant (1).
Genome position (GRCh38, 1-based): chr5:53,102,182-53,102,183, TA duplicated on the plus strand (TA on the coding strand, the reverse complement: MOCS2 is on the minus strand); duplicating any 2 consecutive bases within chr5:53,102,182-53,102,185 gives the same sequence; the c. name uses the placement nearest the transcript's 3' end. VCF-style (leftmost placement, unchanged base first): chr5-53102181-T-TTA. GRCh37 (hg19) VCF-style: chr5-52398011-T-TTA.
Other names: c.*58TA[3] (NM_176806.4); short protein forms N48*.
Identifiers: ClinVar variation 1424517 (VCV001424517.6), dbSNP rs1740929756, ClinGen allele CA1546396946.